The following is an entry in ClinVar:

NC_000014.8:g.(?_91825966)_(91826075_?)del

Gene: CCDC88C (coiled-coil domain containing 88C; minus strand). Cytogenetic location: 14q32.11.
Variant type: Deletion.
Identifiers: ClinVar variation 3244063 (VCV003244063.1).

ClinVar aggregate classification (germline): Pathogenic (1 of 4 stars; one submission).

Submission:

Labcorp Genetics (formerly Invitae), Labcorp
Classification: Pathogenic. Last evaluated: 2023-03-09. Review status: criteria provided, single submitter. Criteria: Invitae Variant Classification Sherloc (09022015). Collection method: clinical testing. Allele origin: unknown.
Comment: This variant is a gross deletion of the genomic region encompassing exon(s) 4 of the CCDC88C gene. This deletion is out-of-frame, and is expected to create a premature termination codon and result in an absent or disrupted protein product. Loss-of-function variants in CCDC88C are known to be pathogenic (PMID: 23042809, 29225145). For these reasons, this variant has been classified as Pathogenic. This variant has not been reported in the literature in individuals affected with CCDC88C-related conditions.

Literature cited by the submitters: PubMed 23042809; PubMed 29225145.